The following is an entry in ClinVar:

NM_005245.4(FAT1):c.4184-8C>T

Gene: FAT1 (FAT atypical cadherin 1; minus strand). Cytogenetic location: 4q35.2.
Variant type: single nucleotide variant.
Coding change: c.4184-8C>T on transcript NM_005245.4 (MANE Select); 8 bases into the intron before coding-DNA position 4184, C replaced by T.
Molecular consequence: intron variant.
Genome position (GRCh38, 1-based): chr4:186,633,831, G>A on the plus strand (C>T on the coding strand, the complement: FAT1 is on the minus strand). VCF-style: chr4-186633831-G-A. GRCh37 (hg19) VCF-style: chr4-187554985-G-A.
Other names: c.4184-8C>T (NM_005245.3).
Identifiers: ClinVar variation 2732332 (VCV002732332.6), dbSNP rs527542593, ClinGen allele CA3166786.

ClinVar aggregate classification (germline): Likely benign. Review status: criteria provided, multiple submitters, no conflicts (2 of 4 stars). 3 submissions from 3 submitters: Likely benign (2). 1 of the submissions does not count toward it. Last evaluated 2023-12-11.

Conditions:
FAT1-related disorder. Also called: FAT1-related condition.

Allele frequency attached by ClinVar (database versions not stated): gnomAD exomes below 0.00001; ExAC 0.00003; gnomAD 0.00004; 1000 Genomes Project 0.00100; 1000 Genomes Project 30x 0.00109.
gnomAD v4.1: 14 of 1,612,744 alleles (0.00087%); highest among the groups gnomAD compares: East Asian, 0.025%; no homozygotes.

Submissions (3):

Blueprint Genetics
Classification: Likely benign. Last evaluated: 2023-12-11. Review status: criteria provided, single submitter. Criteria: ACMG Guidelines, 2015. Collection method: clinical testing. Allele origin: germline.

Labcorp Genetics (formerly Invitae), Labcorp
Classification: Likely benign. Last evaluated: 2023-04-03. Review status: criteria provided, single submitter. Criteria: Invitae Variant Classification Sherloc (09022015). Collection method: clinical testing. Allele origin: germline.

PreventionGenetics, part of Exact Sciences
Classification: Likely benign for FAT1-related condition. Last evaluated: 2022-11-30. Review status: no assertion criteria provided. Collection method: clinical testing. Allele origin: germline. Not counted in ClinVar's aggregate classification.
Comment: This variant is classified as likely benign based on ACMG/AMP sequence variant interpretation guidelines (Richards et al. 2015 PMID: 25741868, with internal and published modifications).